The following is an entry in ClinVar:

NM_000321.3(RB1):c.1186C>T (p.Pro396Ser)

Gene: RB1 (RB transcriptional corepressor 1; plus strand). Cytogenetic location: 13q14.2.
Variant type: single nucleotide variant.
Coding change: c.1186C>T on transcript NM_000321.3 (MANE Select); coding-DNA position 1186, C replaced by T.
Protein change: p.Pro396Ser; replaces proline 396 with serine.
Molecular consequence: missense variant.
Genome position (GRCh38, 1-based): chr13:48,373,463, C>T. VCF-style: chr13-48373463-C-T. GRCh37 (hg19) VCF-style: chr13-48947599-C-T.
Other names: c.1186C>T, p.Pro396Ser (NM_001407165.1, NM_001407166.1); short protein forms P396S.
Identifiers: ClinVar variation 2845302 (VCV002845302.4), dbSNP rs2138131224, ClinGen allele CA388161594.
Genomic context (GRCh38, chr13:48,373,463, plus strand): 5'-AGGACTGTTATGAACACTATCCAACAATTAATGATGATTTTAAATTCAGCAAGTGATCAA[C>T]CTTCAGAAAATCTGATTTCCTATTTTAACGTAAGCCATATATGAAACATTATTTATTGTA-3'
Protein context (NP_000312.2, residues 386-406): MMILNSASDQ[Pro396Ser]SENLISYFNN

ClinVar aggregate classification (germline): Uncertain significance. Review status: criteria provided, multiple submitters, no conflicts (2 of 4 stars). 2 submissions from 2 submitters: Uncertain significance (2). Last evaluated 2025-02-06.

Conditions:
Retinoblastoma (RB1). Also called: RETINOBLASTOMA, SOMATIC. Identifiers: Orphanet 790, MedGen C0035335, MeSH D012175, MONDO:0008380, OMIM 180200, HP:0009919. Disease mechanism: loss of function. Inheritance: Both sporadic and heritable forms are tested..
Hereditary cancer-predisposing syndrome. Also called: Neoplastic Syndromes, Hereditary; Hereditary Cancer Syndrome; Hereditary neoplastic syndrome; Tumor predisposition. Identifiers: Orphanet 140162, MedGen C0027672, MeSH D009386, MONDO:0015356.

Submissions (2):

Ambry Genetics
Classification: Uncertain significance for Hereditary cancer-predisposing syndrome. Last evaluated: 2025-02-06. Review status: criteria provided, single submitter. Criteria: Ambry Variant Classification Scheme 2023. Collection method: clinical testing. Allele origin: germline.
Comment: The p.P396S variant (also known as c.1186C>T), located in coding exon 12 of the RB1 gene, results from a C to T substitution at nucleotide position 1186. The proline at codon 396 is replaced by serine, an amino acid with similar properties. This amino acid position is conserved. In addition, this alteration is predicted to be deleterious by in silico analysis. Based on the available evidence, the clinical significance of this variant remains unclear.

Labcorp Genetics (formerly Invitae), Labcorp
Classification: Uncertain significance for Retinoblastoma. Last evaluated: 2024-04-08. Review status: criteria provided, single submitter. Criteria: Invitae Variant Classification Sherloc (09022015). Collection method: clinical testing. Allele origin: germline.
Comment: This sequence change replaces proline, which is neutral and non-polar, with serine, which is neutral and polar, at codon 396 of the RB1 protein (p.Pro396Ser). This variant is not present in population databases (gnomAD no frequency). This variant has not been reported in the literature in individuals affected with RB1-related conditions. Advanced modeling of protein sequence and biophysical properties (such as structural, functional, and spatial information, amino acid conservation, physicochemical variation, residue mobility, and thermodynamic stability) performed at Invitae indicates that this missense variant is expected to disrupt RB1 protein function with a positive predictive value of 80%. In summary, the available evidence is currently insufficient to determine the role of this variant in disease. Therefore, it has been classified as a Variant of Uncertain Significance.